The following is an entry in ClinVar:

NM_000186.4(CFH):c.3553G>C (p.Ala1185Pro)

Gene: CFH (complement factor H; plus strand). Cytogenetic location: 1q31.3.
Variant type: single nucleotide variant.
Coding change: c.3553G>C on transcript NM_000186.4 (MANE Select); coding-DNA position 3553, G replaced by C.
Protein change: p.Ala1185Pro; replaces alanine 1185 with proline.
Molecular consequence: missense variant.
Genome position (GRCh38, 1-based): chr1:196,747,170, G>C. VCF-style: chr1-196747170-G-C. GRCh37 (hg19) VCF-style: chr1-196716300-G-C.
Other names: short protein forms A1185P.
Identifiers: ClinVar variation 4291606 (VCV004291606.2).

ClinVar aggregate classification (germline): Uncertain significance (1 of 4 stars; one submission).

Conditions:
Atypical hemolytic-uremic syndrome. Identifiers: Orphanet 2134, MedGen C2931788, MONDO:0016244.

gnomAD v4.1: 5 of 1,613,846 alleles (0.00031%); highest among the groups gnomAD compares: Admixed American, 0.0083%; no homozygotes.

Submission:

Genomenon, Inc
Classification: Uncertain significance for Atypical hemolytic-uremic syndrome. Last evaluated: 2026-09-17. Review status: criteria provided, single submitter. Criteria: Genomenon Sequence Variant Interpretation Standards - Updated. Collection method: curation. Allele origin: germline. Affected: yes.
Comment: CFH p.Ala1185Pro (c.3553G>C) is a missense variant that changes the amino acid at codon 1185 from alanine to proline. This variant has been observed in at least one proband affected with atypical hemolytic-uremic syndrome (PMID: 35619721). It is absent or not present at a significant frequency in gnomAD. In conclusion, we classify CFH p.Ala1185Pro (c.3553G>C) as a variant of uncertain significance.

Literature cited by the submitters: PubMed 35619721.